The following is an entry in ClinVar:

ClinVar aggregate classification (germline): Conflicting classifications of pathogenicity. Review status: criteria provided, conflicting classifications (1 of 4 stars). 10 submissions from 10 submitters: Uncertain significance (5); Likely benign (4). 1 of the submissions does not count toward it. Last evaluated 2026-01-05.

Conditions:
Cardiovascular phenotype. Identifiers: MedGen CN230736.
Long QT syndrome (LQTS). Identifiers: MedGen C0023976, MeSH D008133, MONDO:0002442. Disease mechanism: loss of function. Inheritance: Various modes of inheritance.
Jervell and Lange-Nielsen syndrome 2 (JLNS2). Identifiers: Orphanet 768, Orphanet 90647, MedGen C2676723, MONDO:0012871, OMIM 612347.
Long QT syndrome 5 (LQT5). Identifiers: Orphanet 101016, Orphanet 768, MedGen C1867904, MONDO:0013372, OMIM 613695.

Allele frequency attached by ClinVar (database versions not stated): gnomAD exomes 0.00006 and 0.00013; gnomAD 0.00012 and 0.00014; ExAC 0.00015; ESP Exome Variant Server 0.00015; TOPMed 0.00020.
gnomAD v4.1: 91 of 1,378,414 alleles (0.0066%); highest among the groups gnomAD compares: African/African-American, 0.049%; no homozygotes.

Submissions (11):

Labcorp Genetics (formerly Invitae), Labcorp
Classification: Likely benign for Long QT syndrome. Last evaluated: 2026-01-05. Review status: criteria provided, single submitter. Criteria: Invitae Variant Classification Sherloc (09022015). Collection method: clinical testing. Allele origin: germline.

GeneDx
Classification: Uncertain significance. Last evaluated: 2024-11-12. Review status: criteria provided, single submitter. Criteria: GeneDx Variant Classification Process June 2021. Collection method: clinical testing. Allele origin: germline. Affected: yes.
Comment: Reported in association with LQTS; however, this variant has also been reported in control populations and in at least one individual with a normal QT interval (PMID: 14661677, 11692163, 26159999); Two functional studies have conflicting results regarding the effect of this variant on channel function (PMID: 11692163, 25037568); In silico analysis supports that this missense variant does not alter protein structure/function; This variant is associated with the following publications: (PMID: 24710009, 22378279, 25637381, 26159999, 14661677, 11692163, 34426522, 31043699, 32470535, 28988457, 30461122, 31941373, 25037568)

Women's Health and Genetics/Laboratory Corporation of America, LabCorp
Classification: Likely benign. Last evaluated: 2024-07-29. Review status: criteria provided, single submitter. Criteria: LabCorp Variant Classification Summary - May 2015. Collection method: clinical testing. Allele origin: germline.
Comment: Variant summary: KCNE1 c.325G>A (p.Val109Ile) results in a conservative amino acid change in the encoded protein sequence. Five of five in-silico tools predict a benign effect of the variant on protein function. The variant allele was found at a frequency of 0.00013 in 251204 control chromosomes. The observed variant frequency is approximately 13 fold of the estimated maximal expected allele frequency for a pathogenic variant in KCNE1 causing Arrhythmia phenotype (1e-05). These data do not allow any conclusion about variant significance. At least two publications report experimental evidence evaluating an impact on protein function with conflicting results (Dvir_2014; Schulze-Bahr_2001). The following publications have been ascertained in the context of this evaluation (PMID: 22378279, 17341399, 26410412, 25037568, 11692163, 26159999, 32470535). ClinVar contains an entry for this variant (Variation ID: 132678). Based on the evidence outlined above, the variant was classified as likely benign.

Blueprint Genetics
Classification: Likely benign. Last evaluated: 2024-02-23. Review status: criteria provided, single submitter. Criteria: ACMG Guidelines, 2015. Collection method: clinical testing. Allele origin: germline.

Fulgent Genetics
Classification: Uncertain significance for Jervell and Lange-Nielsen syndrome 2; Long QT syndrome 5. Last evaluated: 2021-09-08. Review status: criteria provided, single submitter. Criteria: ACMG Guidelines, 2015. Collection method: clinical testing. Allele origin: unknown.

Ambry Genetics
Classification: Likely benign for Cardiovascular phenotype. Last evaluated: 2020-02-11. Review status: criteria provided, single submitter. Criteria: Ambry Variant Classification Scheme 2023. Collection method: clinical testing. Allele origin: germline.

MVZ Martinsried, Medicover Genetics
Classification: Uncertain significance for Long QT syndrome 5. Last evaluated: 2018-03-20. Review status: criteria provided, single submitter. Criteria: ACMG Guidelines, 2015. Collection method: clinical testing. Allele origin: unknown. Affected: yes.

Laboratory for Molecular Medicine, Mass General Brigham Personalized Medicine
Classification: Uncertain significance. Last evaluated: 2017-01-24. Review status: criteria provided, single submitter. Criteria: LMM Criteria. Collection method: clinical testing. Allele origin: germline.
Comment: Variant identified in a genome or exome case(s) and assessed due to predicted null impact of the variant or pathogenic assertions in the literature or databases. Disclaimer: This variant has not undergone full assessment. The following are preliminary notes: This variant is present in 5 papers in HGMD but comments suggest not pathogenic. 32 mammals have an Ile at this position. The variant is classified in ClinVar with 1 star as VUS by CSER_CC_NCGL and Royal Brompton & Harefield NHS Foundation Trust. The variant is present at 0.07% in gnomAD (18 African chrs).

CSER _CC_NCGL, University of Washington
Classification: Uncertain significance for Long QT syndrome. Last evaluated: 2014-06-01. Review status: criteria provided, single submitter. Criteria: Amendola et al. (Genome Res. 2015). Collection method: research. Allele origin: germline. Inheritance: Autosomal dominant inheritance. Study: ESP 6500 variant annotation.
Comment: Low GERP score may suggest that this variant may belong in a lower pathogenicity class

Variants classified for the Actionable exomic incidental findings in 6503 participants: challenges of variant classification manuscript

Cardiovascular Biomedical Research Unit, Royal Brompton & Harefield NHS Foundation Trust
No classification provided. Review status: no classification provided. Collection method: literature only. Allele origin: germline. Not counted in ClinVar's aggregate classification.
Comment: This variant has been reported in the following publications (PMID:11692163;PMID:14661677;PMID:22378279).

Roden Lab, Vanderbilt University Medical Center
No classification provided (evidence only). Condition: Long QT syndrome 5. Review status: no classification provided. Collection method: in vitro. Allele origin: not applicable. Functional consequence: Effect on ion channel function. Not counted in ClinVar's aggregate classification.
ClinVar note: "not provided" was previously submitted as the classification for the variant. However, the classification appeared to be based only on an observation of functional data so it was converted to no classification on 2025-07-30.

Literature cited by the submitters: PubMed 22378279 (cited by 3 submitters); PubMed 17341399 (cited by Women's Health and Genetics/Laboratory Corporation of America, LabCorp); PubMed 26410412 (cited by Women's Health and Genetics/Laboratory Corporation of America, LabCorp); PubMed 25037568 (cited by Women's Health and Genetics/Laboratory Corporation of America, LabCorp and Ambry Genetics); PubMed 11692163 (cited by 3 submitters); PubMed 26159999 (cited by Women's Health and Genetics/Laboratory Corporation of America, LabCorp and Ambry Genetics); PubMed 32470535 (cited by Women's Health and Genetics/Laboratory Corporation of America, LabCorp); PubMed 14661677 (cited by Ambry Genetics and Cardiovascular Biomedical Research Unit, Royal Brompton & Harefield NHS Foundation Trust); PubMed 24710009 (cited by Ambry Genetics); PubMed 25637381 (cited by Ambry Genetics); PubMed 28988457 (cited by Ambry Genetics); PubMed 31043699 (cited by Ambry Genetics); PubMed 31941373 (cited by Ambry Genetics); PubMed 22581653 (cited by Cardiovascular Biomedical Research Unit, Royal Brompton & Harefield NHS Foundation Trust).

NM_000219.6(KCNE1):c.325G>A (p.Val109Ile)

Gene: KCNE1 (potassium voltage-gated channel subfamily E regulatory subunit 1; minus strand). Cytogenetic location: 21q22.12.
Variant type: single nucleotide variant.
Coding change: c.325G>A on transcript NM_000219.6 (MANE Select); coding-DNA position 325, G replaced by A.
Protein change: p.Val109Ile; replaces valine 109 with isoleucine.
Molecular consequence: missense variant.
Genome position (GRCh38, 1-based): chr21:34,449,310, C>T on the plus strand (G>A on the coding strand, the complement: KCNE1 is on the minus strand). VCF-style: chr21-34449310-C-T. GRCh37 (hg19) VCF-style: chr21-35821608-C-T.
Other names: c.325G>A (LRG_290t1); c.325G>A, p.Val109Ile (NM_001127668.4, NM_001127669.4, NM_001127670.4 and 4 more transcripts); short protein forms V109I.
Identifiers: ClinVar variation 132678 (VCV000132678.25), dbSNP rs77442996, ClinGen allele CA211437.
Genomic context (GRCh38, chr21:34,449,310, plus strand): 5'-GGGAAGGCTTCGTCTCAGGAAGGTGTGTGTTGGGTTGTTCTATGGCCAGATGGTTTTCAA[C>T]GACATAGCACGACCTGTAGCTCTCCAGGACCCGGGCCTGGACATAGGCCTTGTCCTTCTC-3'
Protein context (NP_000210.2, residues 99-119): VLESYRSCYV[Val109Ile]ENHLAIEQPN